The following is an entry in ClinVar:

ClinVar aggregate classification (germline): Benign. Review status: criteria provided, multiple submitters, no conflicts (2 of 4 stars). 2 submissions from 2 submitters: Benign (2). Last evaluated 2018-01-12.

Conditions:
Vitamin K-dependent clotting factors, combined deficiency of, type 1. Also called: FACTORS II, VII, IX, AND X, COMBINED DEFICIENCY OF; FAMILIAL MULTIPLE COAGULATION FACTOR DEFICIENCY III; FMFD III; GLUTAMIC ACID, DEFICIENT GAMMA-CARBOXYLATION OF; MULTIPLE COAGULATION FACTOR DEFICIENCY III; VITAMIN K-DEPENDENT COAGULATION DEFECT. Identifiers: Orphanet 98434, MedGen C1848534, MONDO:0010187, OMIM 277450.

Allele frequency attached by ClinVar (database versions not stated): 1000 Genomes Project 30x 0.02452; 1000 Genomes Project 0.02596; gnomAD 0.03679 and 0.03766; TOPMed 0.03722; gnomAD exomes 0.21429.

Submissions (2):

Illumina Laboratory Services, Illumina
Classification: Benign for Vitamin K-dependent clotting factors, combined deficiency of, type 1. Last evaluated: 2018-01-12. Review status: criteria provided, single submitter. Criteria: ICSL Variant Classification Criteria 13 December 2019. Collection method: clinical testing. Allele origin: germline.
Comment: This variant was observed in the ICSL laboratory as part of a predisposition screen in an ostensibly healthy population. It had not been previously curated by ICSL or reported in the Human Gene Mutation Database (HGMD: prior to June 1st, 2018), and was therefore a candidate for classification through an automated scoring system. Utilizing variant allele frequency, disease prevalence and penetrance estimates, and inheritance mode, an automated score was calculated to assess if this variant is too frequent to cause the disease. Based on the score and internal cut-off values, a variant classified as benign is not then subjected to further curation. The score for this variant resulted in a classification of benign for this disease.

Breakthrough Genomics
Classification: Benign. Review status: criteria provided, single submitter. Criteria: ACMG Guidelines, 2015. Collection method: not provided. Allele origin: germline. Inheritance: Autosomal recessive inheritance. Affected: yes.

NM_000821.7(GGCX):c.*2949C>T

Gene: GGCX (gamma-glutamyl carboxylase; minus strand). Cytogenetic location: 2p11.2.
Variant type: single nucleotide variant.
Coding change: c.*2949C>T on transcript NM_000821.7 (MANE Select); 2949 bases downstream of the stop codon, C replaced by T.
Molecular consequence: 3 prime UTR variant.
Genome position (GRCh38, 1-based): chr2:85,546,985, G>A on the plus strand (C>T on the coding strand, the complement: GGCX is on the minus strand). VCF-style: chr2-85546985-G-A. GRCh37 (hg19) VCF-style: chr2-85774108-G-A.
Other names: c.*2949C>T (NM_001142269.4).
Identifiers: ClinVar variation 337210 (VCV000337210.6), dbSNP rs76606353, ClinGen allele CA10616156.